The following is an entry in ClinVar:

ClinVar aggregate classification (germline): Pathogenic (1 of 4 stars; one submission).

Submission:

Labcorp Genetics (formerly Invitae), Labcorp
Classification: Pathogenic. Last evaluated: 2023-08-30. Review status: criteria provided, single submitter. Criteria: Invitae Variant Classification Sherloc (09022015). Collection method: clinical testing. Allele origin: germline.
Comment: This sequence change creates a premature translational stop signal (p.Gln163Argfs*123) in the SOX10 gene. While this is not anticipated to result in nonsense mediated decay, it is expected to disrupt the last 304 amino acid(s) of the SOX10 protein. This variant is not present in population databases (gnomAD no frequency). This variant has not been reported in the literature in individuals affected with SOX10-related conditions. This variant disrupts a region of the SOX10 protein in which other variant(s) (p.Gln399*) have been determined to be pathogenic (PMID: 28000701, 31427586). This suggests that this is a clinically significant region of the protein, and that variants that disrupt it are likely to be disease-causing. For these reasons, this variant has been classified as Pathogenic.

Literature cited by the submitters: PubMed 28000701; PubMed 31427586.

NM_006941.4(SOX10):c.488del (p.Gln163fs)

Genes: POLR2F (RNA polymerase II, I and III subunit F; plus strand), SOX10 (SRY-box transcription factor 10; minus strand). Cytogenetic location: 22q13.1.
Variant type: Deletion.
Coding change: c.488del on transcript NM_006941.4 (MANE Select); coding-DNA position 488, one base deleted (A; older notation c.488delA).
Protein change: p.Gln163fs; shifts the reading frame from glutamine 163.
Molecular consequence: frameshift variant. On other transcripts: intron variant (3).
Genome position (GRCh38, 1-based): chr22:37,978,076, T deleted on the plus strand (A on the coding strand, the reverse complement: SOX10 is on the minus strand). VCF-style (leftmost placement, unchanged base first): chr22-37978075-CT-C. GRCh37 (hg19) VCF-style: chr22-38374082-CT-C.
Other names: c.*38+5766del (NM_001363825.1); c.294-8078del (NM_001301130.2); c.293+10906del (NM_001301131.2); short protein forms Q163fs.
Identifiers: ClinVar variation 2754706 (VCV002754706.3), dbSNP rs2518046945, ClinGen allele CA2697552758.